The following is an entry in ClinVar:

NM_001375524.1(TRRAP):c.10983G>A (p.Pro3661=)

Gene: TRRAP (transformation/transcription domain associated protein; plus strand). Cytogenetic location: 7q22.1.
Variant type: single nucleotide variant.
Coding change: c.10983G>A on transcript NM_001375524.1 (MANE Select); coding-DNA position 10983, G replaced by A.
Protein change: p.Pro3661=; no amino-acid change (proline 3661 retained).
Molecular consequence: synonymous variant.
Genome position (GRCh38, 1-based): chr7:99,011,096, G>A. VCF-style: chr7-99011096-G-A. GRCh37 (hg19) VCF-style: chr7-98608719-G-A.
Other names: c.10941G>A, p.Pro3647= (NM_001244580.2); c.10854G>A, p.Pro3618= (NM_003496.4); c.10854G>A (NM_003496.3).
Identifiers: ClinVar variation 2075724 (VCV002075724.5), dbSNP rs201702554, ClinGen allele CA4362059.

ClinVar aggregate classification (germline): Likely benign. Review status: criteria provided, multiple submitters, no conflicts (2 of 4 stars). 2 submissions from 2 submitters: Likely benign (2). Last evaluated 2026-01-22.

Conditions:
TRRAP-related disorder. Also called: TRRAP-related condition.

Allele frequency attached by ClinVar (database versions not stated): gnomAD exomes 0.00004; ExAC 0.00007; gnomAD 0.00010; TOPMed 0.00023; 1000 Genomes Project 0.00040; 1000 Genomes Project 30x 0.00047.
gnomAD v4.1: 88 of 1,614,160 alleles (0.0055%); highest among the groups gnomAD compares: East Asian, 0.074%; no homozygotes.

Submissions (2):

Labcorp Genetics (formerly Invitae), Labcorp
Classification: Likely benign. Last evaluated: 2026-01-22. Review status: criteria provided, single submitter. Criteria: Invitae Variant Classification Sherloc (09022015). Collection method: clinical testing. Allele origin: germline.

PreventionGenetics, part of Exact Sciences
Classification: Likely benign for TRRAP-related condition. Last evaluated: 2025-04-16. Review status: criteria provided, single submitter. Criteria: ACMG Guidelines, 2015. Collection method: clinical testing. Allele origin: germline.
Comment: This variant is classified as likely benign based on ACMG/AMP sequence variant interpretation guidelines (Richards et al. 2015 PMID: 25741868, with internal and published modifications).